The following is an entry in ClinVar:

NM_138387.4(G6PC3):c.652T>C (p.Phe218Leu)

Gene: G6PC3 (glucose-6-phosphatase catalytic subunit 3; plus strand). Cytogenetic location: 17q21.31.
Variant type: single nucleotide variant.
Coding change: c.652T>C on transcript NM_138387.4 (MANE Select); coding-DNA position 652, T replaced by C.
Protein change: p.Phe218Leu; replaces phenylalanine 218 with leucine.
Molecular consequence: missense variant.
Genome position (GRCh38, 1-based): chr17:44,075,426, T>C. VCF-style: chr17-44075426-T-C. GRCh37 (hg19) VCF-style: chr17-42152794-T-C.
Other names: c.533T>C, p.Leu178Pro (NM_001319945.2); c.307T>C, p.Phe103Leu (NM_001384165.1, NM_001384166.1, NM_001384167.1 and 1 more transcripts); short protein forms F218L, F103L, L178P.
Identifiers: ClinVar variation 3852381 (VCV003852381.1).

ClinVar aggregate classification (germline): Uncertain significance (1 of 4 stars; one submission).

Conditions:
Inborn genetic diseases. Identifiers: MedGen C0950123, MeSH D030342.

Submission:

Ambry Genetics
Classification: Uncertain significance for Inborn genetic diseases. Last evaluated: 2025-03-05. Review status: criteria provided, single submitter. Criteria: Ambry Variant Classification Scheme 2023. Collection method: clinical testing. Allele origin: germline.
Comment: The p.F218L variant (also known as c.652T>C), located in coding exon 5 of the G6PC3 gene, results from a T to C substitution at nucleotide position 652. The phenylalanine at codon 218 is replaced by leucine, an amino acid with highly similar properties. This amino acid position is conserved. In addition, this alteration is predicted to be tolerated by in silico analysis. Based on the available evidence, the clinical significance of this variant remains unclear.